The following is an entry in ClinVar:

NM_012232.6(CAVIN1):c.45G>A (p.Gly15=)

Gene: CAVIN1 (caveolae associated protein 1; minus strand). Cytogenetic location: 17q21.2.
Variant type: single nucleotide variant.
Coding change: c.45G>A on transcript NM_012232.6 (MANE Select); coding-DNA position 45, G replaced by A.
Protein change: p.Gly15=; no amino-acid change (glycine 15 retained).
Molecular consequence: synonymous variant.
Genome position (GRCh38, 1-based): chr17:42,423,053, C>T on the plus strand (G>A on the coding strand, the complement: CAVIN1 is on the minus strand). VCF-style: chr17-42423053-C-T. GRCh37 (hg19) VCF-style: chr17-40575071-C-T.
Identifiers: ClinVar variation 2647787 (VCV002647787.24), dbSNP rs2145491128, ClinGen allele CA500215961.

ClinVar aggregate classification (germline): Likely benign (1 of 4 stars; one submission).

gnomAD v4.1: 1 of 1,608,222 alleles (0.000062%); highest among the groups gnomAD compares: Non-Finnish European, 0.000085%; no homozygotes.

Submission:

CeGaT Center for Human Genetics Tuebingen
Classification: Likely benign. Last evaluated: 2023-04-01. Review status: criteria provided, single submitter. Criteria: CeGaT Center For Human Genetics Tuebingen Variant Classification Criteria Version 2. Collection method: clinical testing. Allele origin: germline. Affected: yes. Observed: 1 variant allele.
Comment: CAVIN1: PM2:Supporting, BP4, BP7